The following is an entry in ClinVar:

ClinVar aggregate classification (germline): Uncertain significance (1 of 4 stars; one submission).

Conditions:
Hereditary cancer-predisposing syndrome. Also called: Neoplastic Syndromes, Hereditary; Tumor predisposition; Hereditary Cancer Syndrome; Hereditary neoplastic syndrome. Identifiers: Orphanet 140162, MedGen C0027672, MeSH D009386, MONDO:0015356.

Submission:

Ambry Genetics
Classification: Uncertain significance for Hereditary cancer-predisposing syndrome. Last evaluated: 2021-05-09. Review status: criteria provided, single submitter. Criteria: Ambry Variant Classification Scheme 2023. Collection method: clinical testing. Allele origin: germline.
Comment: The p.I672N variant (also known as c.2015T>A), located in coding exon 14 of the MSH3 gene, results from a T to A substitution at nucleotide position 2015. The isoleucine at codon 672 is replaced by asparagine, an amino acid with dissimilar properties. This amino acid position is not well conserved in available vertebrate species. In addition, the in silico prediction for this alteration is inconclusive. Since supporting evidence is limited at this time, the clinical significance of this alteration remains unclear.

NM_002439.5(MSH3):c.2015T>A (p.Ile672Asn)

Gene: MSH3 (mutS homolog 3; plus strand). Cytogenetic location: 5q14.1.
Variant type: single nucleotide variant.
Coding change: c.2015T>A on transcript NM_002439.5 (MANE Select); coding-DNA position 2015, T replaced by A.
Protein change: p.Ile672Asn; replaces isoleucine 672 with asparagine.
Molecular consequence: missense variant.
Genome position (GRCh38, 1-based): chr5:80,768,051, T>A. VCF-style: chr5-80768051-T-A. GRCh37 (hg19) VCF-style: chr5-80063870-T-A.
Other names: short protein forms I672N.
Identifiers: ClinVar variation 1784464 (VCV001784464.2), dbSNP rs888955838, ClinGen allele CA360277753.
Genomic context (GRCh38, chr5:80,768,051, plus strand): 5'-TTCAAGCAATAATACCTGCTGTTAATTCCCACATTCAGTCAGACTTGCTCCGGACCGTTA[T>A]TTTAGAAATTCCTGAACTCCTCAGTCCAGTGGAGCATTACTTAAAGATACTCAATGAACA-3'
Protein context (NP_002430.3, residues 662-682): HIQSDLLRTV[Ile672Asn]LEIPELLSPV